The following is an entry in ClinVar:

NM_015662.3(IFT172):c.1925A>G (p.His642Arg)

Gene: IFT172 (intraflagellar transport 172; minus strand). Cytogenetic location: 2p23.3.
Variant type: single nucleotide variant.
Coding change: c.1925A>G on transcript NM_015662.3 (MANE Select); coding-DNA position 1925, A replaced by G.
Protein change: p.His642Arg; replaces histidine 642 with arginine.
Molecular consequence: missense variant.
Genome position (GRCh38, 1-based): chr2:27,465,423, T>C on the plus strand (A>G on the coding strand, the complement: IFT172 is on the minus strand). VCF-style: chr2-27465423-T-C. GRCh37 (hg19) VCF-style: chr2-27688290-T-C.
Other names: c.1859A>G, p.His620Arg (NM_001410739.1); short protein forms H642R, H620R.
Identifiers: ClinVar variation 4794825 (VCV004794825.2).

ClinVar aggregate classification (germline): Uncertain significance. Review status: criteria provided, multiple submitters, no conflicts (2 of 4 stars). 2 submissions from 2 submitters: Uncertain significance (2). Last evaluated 2026-02-01.

Conditions:
Short-rib thoracic dysplasia 10 with or without polydactyly (SRTD10). Identifiers: Orphanet 474, MedGen C3810175, MONDO:0014284, OMIM 615630.
Retinitis pigmentosa 71 (RP71). Identifiers: Orphanet 791, MedGen C4225342, MONDO:0014618, OMIM 616394.

gnomAD v4.1: 1 of 1,613,930 alleles (0.000062%); highest among the groups gnomAD compares: Non-Finnish European, 0.000085%; no homozygotes.

Submissions (2):

Labcorp Genetics (formerly Invitae), Labcorp
Classification: Uncertain significance for Retinitis pigmentosa 71; Short-rib thoracic dysplasia 10 with or without polydactyly. Last evaluated: 2026-02-01. Review status: criteria provided, single submitter. Criteria: Invitae Variant Classification Sherloc (09022015). Collection method: clinical testing. Allele origin: germline.
Comment: This sequence change replaces histidine, which is basic and polar, with arginine, which is basic and polar, at codon 642 of the IFT172 protein (p.His642Arg). This variant is not present in population databases (gnomAD no frequency). This variant has not been reported in the literature in individuals affected with IFT172-related conditions. Invitae Evidence Modeling of protein sequence and biophysical properties (such as structural, functional, and spatial information, amino acid conservation, physicochemical variation, residue mobility, and thermodynamic stability) indicates that this missense variant is not expected to disrupt IFT172 protein function with a negative predictive value of 95%. In summary, the available evidence is currently insufficient to determine the role of this variant in disease. Therefore, it has been classified as a Variant of Uncertain Significance.

Blueprint Genetics
Classification: Uncertain significance. Last evaluated: 2024-09-03. Review status: criteria provided, single submitter. Criteria: ACMG Guidelines, 2015. Collection method: clinical testing. Allele origin: germline.